The following is an entry in ClinVar:

ClinVar aggregate classification (germline): Conflicting classifications of pathogenicity. Review status: criteria provided, conflicting classifications (1 of 4 stars). 2 submissions from 2 submitters: Uncertain significance (1); Likely benign (1). Last evaluated 2025-07-30.

Conditions:
Intellectual disability, X-linked, with or without seizures, ARX-related. Also called: Mental retardation, X-linked 52; MENTAL RETARDATION, X-LINKED 29; MENTAL RETARDATION, X-LINKED 32; MENTAL RETARDATION, X-LINKED 33; MENTAL RETARDATION, X-LINKED 38; MENTAL RETARDATION, X-LINKED 43. Identifiers: Orphanet 777, MedGen C0796244, MONDO:0010317, OMIM 300419.
Developmental and epileptic encephalopathy, 1 (DEE1). Also called: Epileptic encephalopathy, early infantile, 1; X-linked infantile spasms; West's syndrome; Tonic spasms with clustering, arrest of psychomotor development and hypsarrhythmia on EEG; X-Linked Infantile Spasm Syndrome; OHTAHARA SYNDROME, X-LINKED. Identifiers: MedGen C3463992, MONDO:0010632, OMIM 308350. Disease mechanism: loss of function.

gnomAD v4.1: 42 of 1,143,063 alleles (0.0037%); highest among the groups gnomAD compares: Non-Finnish European, 0.0047%; no homozygotes.

Submissions (2):

Labcorp Genetics (formerly Invitae), Labcorp
Classification: Uncertain significance for Developmental and epileptic encephalopathy, 1; Intellectual disability, X-linked, with or without seizures, ARX-related. Last evaluated: 2025-07-30. Review status: criteria provided, single submitter. Criteria: Invitae Variant Classification Sherloc (09022015). Collection method: clinical testing. Allele origin: germline.
Comment: This sequence change replaces proline, which is neutral and non-polar, with leucine, which is neutral and non-polar, at codon 211 of the ARX protein (p.Pro211Leu). This variant is not present in population databases (gnomAD no frequency). This variant has not been reported in the literature in individuals affected with ARX-related conditions. ClinVar contains an entry for this variant (Variation ID: 386397). Invitae Evidence Modeling of protein sequence and biophysical properties (such as structural, functional, and spatial information, amino acid conservation, physicochemical variation, residue mobility, and thermodynamic stability) indicates that this missense variant is not expected to disrupt ARX protein function with a negative predictive value of 95%. In summary, the available evidence is currently insufficient to determine the role of this variant in disease. Therefore, it has been classified as a Variant of Uncertain Significance.

GeneDx
Classification: Likely benign. Last evaluated: 2016-06-06. Review status: criteria provided, single submitter. Criteria: GeneDx Variant Classification (06012015). Collection method: clinical testing. Allele origin: germline. Affected: yes.
Comment: This variant is considered likely benign or benign based on one or more of the following criteria: it is a conservative change, it occurs at a poorly conserved position in the protein, it is predicted to be benign by multiple in silico algorithms, and/or has population frequency not consistent with disease.

NM_139058.3(ARX):c.632C>T (p.Pro211Leu)

Gene: ARX (aristaless related homeobox; minus strand). Cytogenetic location: Xp21.3.
Variant type: single nucleotide variant.
Coding change: c.632C>T on transcript NM_139058.3 (MANE Select); coding-DNA position 632, C replaced by T.
Protein change: p.Pro211Leu; replaces proline 211 with leucine.
Molecular consequence: missense variant.
Genome position (GRCh38, 1-based): chrX:25,013,363, G>A on the plus strand (C>T on the coding strand, the complement: ARX is on the minus strand). VCF-style: chrX-25013363-G-A. GRCh37 (hg19) VCF-style: chrX-25031480-G-A.
Other names: short protein forms P211L.
Identifiers: ClinVar variation 386397 (VCV000386397.2), dbSNP rs1057522488, ClinGen allele CA16608826.